The following is an entry in ClinVar:

ClinVar aggregate classification (germline): Uncertain significance. Review status: criteria provided, multiple submitters, no conflicts (2 of 4 stars). 2 submissions from 2 submitters: Uncertain significance (2). Last evaluated 2022-07-05.

Conditions:
Glycogen storage disease due to muscle and heart glycogen synthase deficiency. Also called: GSD 0b; MUSCLE GLYCOGEN SYNTHASE DEFICIENCY. Identifiers: Orphanet 137625, MedGen C1969054, MONDO:0012693, OMIM 611556.

Allele frequency attached by ClinVar (database versions not stated): TOPMed below 0.00001; gnomAD exomes 0.00002.
gnomAD v4.1: 6 of 1,571,618 alleles (0.00038%); highest among the groups gnomAD compares: African/African-American, 0.0014%; no homozygotes.

Submissions (2):

Labcorp Genetics (formerly Invitae), Labcorp
Classification: Uncertain significance for Glycogen storage disease due to muscle and heart glycogen synthase deficiency. Last evaluated: 2022-07-05. Review status: criteria provided, single submitter. Criteria: Invitae Variant Classification Sherloc (09022015). Collection method: clinical testing. Allele origin: germline.
Comment: This sequence change replaces lysine, which is basic and polar, with threonine, which is neutral and polar, at codon 707 of the GYS1 protein (p.Lys707Thr). This variant is present in population databases (no rsID available, gnomAD 0.004%). This variant has not been reported in the literature in individuals affected with GYS1-related conditions. ClinVar contains an entry for this variant (Variation ID: 894149). Algorithms developed to predict the effect of missense changes on protein structure and function are either unavailable or do not agree on the potential impact of this missense change (SIFT: "Deleterious"; PolyPhen-2: "Probably Damaging"; Align-GVGD: "Class C0"). In summary, the available evidence is currently insufficient to determine the role of this variant in disease. Therefore, it has been classified as a Variant of Uncertain Significance.

Illumina Laboratory Services, Illumina
Classification: Uncertain significance for Glycogen storage disease due to muscle and heart glycogen synthase deficiency. Last evaluated: 2018-01-13. Review status: criteria provided, single submitter. Criteria: ICSL Variant Classification Criteria 13 December 2019. Collection method: clinical testing. Allele origin: germline.

NM_002103.5(GYS1):c.2120A>C (p.Lys707Thr)

Gene: GYS1 (glycogen synthase 1; minus strand). Cytogenetic location: 19q13.33.
Variant type: single nucleotide variant.
Coding change: c.2120A>C on transcript NM_002103.5 (MANE Select); coding-DNA position 2120, A replaced by C.
Protein change: p.Lys707Thr; replaces lysine 707 with threonine.
Molecular consequence: missense variant. On other transcripts: non-coding transcript variant (1).
Genome position (GRCh38, 1-based): chr19:48,969,382, T>G on the plus strand (A>C on the coding strand, the complement: GYS1 is on the minus strand). VCF-style: chr19-48969382-T-G. GRCh37 (hg19) VCF-style: chr19-49472639-T-G.
Other names: c.1928A>C, p.Lys643Thr (NM_001161587.2); short protein forms K643T, K707T.
Identifiers: ClinVar variation 894149 (VCV000894149.6), dbSNP rs1205499394, ClinGen allele CA406759177.
Genomic context (GRCh38, chr19:48,969,382, plus strand): 5'-CTGAGGGGCTCGCTCGGGGTGCTGAGTGAGCTGGAGGTGGCCGTGTCCACAGAGTTGCGC[T>G]TGCTGCCGCTGGTGGAGGAGGTGCAGGACGCTCGGCGCGGCCACTCTGGTGCACGGATGT-3'
Protein context (NP_002094.2, residues 697-717): ASCTSSTSGS[Lys707Thr]RNSVDTATSS